The following is an entry in ClinVar:

ClinVar aggregate classification (germline): Benign/Likely benign. Review status: criteria provided, multiple submitters, no conflicts (2 of 4 stars). 3 submissions from 3 submitters: Benign (2); Likely benign (1). Last evaluated 2026-09-01.

Conditions:
Intellectual developmental disorder, autosomal dominant 43. Also called: Intellectual disability, autosomal dominant 43. Identifiers: MedGen C4707429, MONDO:0014858, OMIM 616977.

Allele frequency attached by ClinVar (database versions not stated): gnomAD exomes 0.00176 and 0.00106; TOPMed 0.00597; ESP Exome Variant Server 0.00461; gnomAD 0.00487 and 0.00511; 1000 Genomes Project 0.00499; ExAC 0.00186; 1000 Genomes Project 30x 0.00437.
gnomAD v4.1: 2,398 of 1,614,198 alleles (0.15%); highest among the groups gnomAD compares: Middle Eastern, 2.6%; 24 homozygotes.

Submissions (3):

CeGaT Center for Human Genetics Tuebingen
Classification: Benign. Last evaluated: 2026-09-01. Review status: criteria provided, single submitter. Criteria: CeGaT Center For Human Genetics Tuebingen Variant Classification Criteria Version 2. Collection method: clinical testing. Allele origin: germline. Affected: yes. Observed: 18 variant alleles.
Comment: HIVEP2: BP4, BS1, BS2

Labcorp Genetics (formerly Invitae), Labcorp
Classification: Benign. Last evaluated: 2026-01-31. Review status: criteria provided, single submitter. Criteria: Invitae Variant Classification Sherloc (09022015). Collection method: clinical testing. Allele origin: germline.

Fulgent Genetics
Classification: Likely benign for Intellectual developmental disorder, autosomal dominant 43. Last evaluated: 2022-01-03. Review status: criteria provided, single submitter. Criteria: ACMG Guidelines, 2015. Collection method: clinical testing. Allele origin: unknown.

NM_006734.4(HIVEP2):c.4140C>T (p.Thr1380=)

Gene: HIVEP2 (HIVEP zinc finger 2; minus strand). Cytogenetic location: 6q24.2.
Variant type: single nucleotide variant.
Coding change: c.4140C>T on transcript NM_006734.4 (MANE Select); coding-DNA position 4140, C replaced by T.
Protein change: p.Thr1380=; no amino-acid change (threonine 1380 retained).
Molecular consequence: synonymous variant.
Genome position (GRCh38, 1-based): chr6:142,770,599, G>A on the plus strand (C>T on the coding strand, the complement: HIVEP2 is on the minus strand). VCF-style: chr6-142770599-G-A. GRCh37 (hg19) VCF-style: chr6-143091736-G-A.
Identifiers: ClinVar variation 785869 (VCV000785869.40), dbSNP rs35406346, ClinGen allele CA4028126.
Genomic context (GRCh38, chr6:142,770,599, plus strand): 5'-GCCCGCATGCTGCCCCAGCACCTGGGCAATGTTGAATCCTATCCCTTGCATGGCTGCGTT[G>A]GTGACCAGTGTCCTTTGGGTCATATTCTCATCGACTTTGCATATGACAATGGCAGGGCTA-3'
Protein context (NP_006725.3, residues 1370-1390): DENMTQRTLV[Thr1380=]NAAMQGIGFN